The following is an entry in ClinVar:

NM_001267550.2(TTN):c.74987_74991dup (p.Ser24998fs)

Genes: TTN (titin; minus strand), TTN-AS1 (TTN antisense RNA 1; plus strand). Cytogenetic location: 2q31.2.
Variant type: Duplication.
Coding change: c.74987_74991dup on transcript NM_001267550.2 (MANE Select); coding-DNA positions 74987 to 74991, 5 bases duplicated (AAGTA; older notation c.74987_74991dupAAGTA).
Protein change: p.Ser24998fs; shifts the reading frame from serine 24998.
Molecular consequence: frameshift variant.
Genome position (GRCh38, 1-based): chr2:178,571,141-178,571,145, TACTT duplicated on the plus strand (AAGTA on the coding strand, the reverse complement: TTN is on the minus strand); duplicating any 5 consecutive bases within chr2:178,571,141-178,571,149 gives the same sequence; the c. name uses the placement nearest the transcript's 3' end. VCF-style (leftmost placement, unchanged base first): chr2-178571140-A-ATACTT. GRCh37 (hg19) VCF-style: chr2-179435867-A-ATACTT.
Other names: c.74987_74991dupAAGTA (NM_001267550.2); c.70064_70068dupAAGTA (NM_001256850.1); c.74987_74991dup (NM_001267550.1); c.70064_70068dup, p.Ser23357fs (NM_001256850.1); c.47792_47796dup, p.Ser15933fs (NM_003319.4); c.67283_67287dup, p.Ser22430fs (NM_133378.4); c.48167_48171dup, p.Ser16058fs (NM_133432.3); c.48368_48372dup, p.Ser16125fs (NM_133437.4); short protein forms S16058fs, S16125fs, S15933fs, S22430fs, S23357fs, S24998fs.
Identifiers: ClinVar variation 452835 (VCV000452835.12), dbSNP rs1553604316, ClinGen allele CA658657152.

ClinVar aggregate classification (germline): Likely pathogenic. Review status: criteria provided, multiple submitters, no conflicts (2 of 4 stars). 2 submissions from 2 submitters: Likely pathogenic (2). Last evaluated 2026-07-21.

Conditions:
Autosomal recessive limb-girdle muscular dystrophy type 2J (LGMDR10). Also called: Limb-girdle muscular dystrophy, type 2J; MUSCULAR DYSTROPHY, LIMB-GIRDLE, AUTOSOMAL RECESSIVE 10. Identifiers: Orphanet 140922, MedGen C1837342, MONDO:0012127, OMIM 608807.
Dilated cardiomyopathy 1G (CMD1G). Identifiers: Orphanet 154, MedGen C1858763, MONDO:0011400, OMIM 604145.

Submissions (2):

GeneDx
Classification: Likely pathogenic. Last evaluated: 2026-07-21. Review status: criteria provided, single submitter. Criteria: GeneDx Variant Classification Process June 2021. Collection method: clinical testing. Allele origin: germline.
Comment: Frameshift variant predicted to result in protein truncation or nonsense mediated decay in a gene for which loss of function is a known mechanism of disease; Located in the A-band, a region of TTN for which truncating variants are significantly associated with autosomal dominant cardiomyopathy and also with autosomal recessive skeletal myopathies (PMID: 22335739, 32778822); Identified in a family with DCM and conduction disease that also harbored a pathogenic variant in SCN5A; however, the TTN variant did not segregate with disease in several family members with DCM and/or conduction disease who harbored the SCN5A variant (PMID: 34884792); Not observed at significant frequency in large population cohorts (gnomAD); This variant is associated with the following publications: (PMID: 24575448, 22335739, 32778822, 40271130, 34884792)

Labcorp Genetics (formerly Invitae), Labcorp
Classification: Likely pathogenic for Dilated cardiomyopathy 1G; Autosomal recessive limb-girdle muscular dystrophy type 2J. Last evaluated: 2018-12-06. Review status: criteria provided, single submitter. Criteria: Invitae Variant Classification Sherloc (09022015). Collection method: clinical testing. Allele origin: germline.
Comment: In summary, the currently available evidence indicates that the variant is pathogenic, but additional data are needed to prove that conclusively. Therefore, this variant has been classified as Likely Pathogenic. This variant is located in the A band of TTN (PMID: 25589632). Truncating variants in this region are significantly overrepresented in patients affected with dilated cardiomyopathy (PMID: 25589632). Truncating variants in this region have also been reported in individuals affected with autosomal recessive centronuclear myopathy (PMID: 23975875). This variant has not been reported in the literature in individuals with TTN-related conditions. ClinVar contains an entry for this variant (Variation ID: 452835). This variant is not present in population databases (ExAC no frequency). This sequence change results in a premature translational stop signal in the TTN gene (p.Ser24998Lysfs*28). While this is not anticipated to result in nonsense mediated decay, it is expected to create a truncated TTN protein.

Literature cited by the submitters: PubMed 25589632 (cited by Labcorp Genetics (formerly Invitae), Labcorp); PubMed 23975875 (cited by Labcorp Genetics (formerly Invitae), Labcorp).